The following is an entry in ClinVar:

NM_006828.4(ASCC3):c.2571A>G (p.Gln857=)

Gene: ASCC3 (activating signal cointegrator 1 complex subunit 3; minus strand). Cytogenetic location: 6q16.3.
Variant type: single nucleotide variant.
Coding change: c.2571A>G on transcript NM_006828.4 (MANE Select); coding-DNA position 2571, A replaced by G.
Protein change: p.Gln857=; no amino-acid change (glutamine 857 retained).
Molecular consequence: synonymous variant.
Genome position (GRCh38, 1-based): chr6:100,661,938, T>C on the plus strand (A>G on the coding strand, the complement: ASCC3 is on the minus strand). VCF-style: chr6-100661938-T-C. GRCh37 (hg19) VCF-style: chr6-101109814-T-C.
Identifiers: ClinVar variation 3771216 (VCV003771216.14).
Genomic context (GRCh38, chr6:100,661,938, plus strand): 5'-GAGGTAATGGCTGAGTTTATCATGCGTTGTTATAATTATTCCTTCCCCAAATTTGTCAAA[T>C]TGTGGTCGTCCAGCTCGACCAAATATCTGCATGACATCTAAAATTCCAAGGTCAACAAAG-3'
Protein context (NP_006819.2, residues 847-867): MQIFGRAGRP[Gln857=]FDKFGEGIII

ClinVar aggregate classification (germline): Likely benign. Review status: criteria provided, multiple submitters, no conflicts (2 of 4 stars). 2 submissions from 2 submitters: Likely benign (2). Last evaluated 2024-12-01.

gnomAD v4.1: 361 of 1,613,438 alleles (0.022%); highest among the groups gnomAD compares: African/African-American, 0.32%; no homozygotes.

Submissions (2):

CeGaT Center for Human Genetics Tuebingen
Classification: Likely benign. Last evaluated: 2024-12-01. Review status: criteria provided, single submitter. Criteria: CeGaT Center For Human Genetics Tuebingen Variant Classification Criteria Version 2. Collection method: clinical testing. Allele origin: germline. Affected: yes. Observed: 1 variant allele.
Comment: ASCC3: BP4, BP7

Blueprint Genetics
Classification: Likely benign. Last evaluated: 2024-09-16. Review status: criteria provided, single submitter. Criteria: ACMG Guidelines, 2015. Collection method: clinical testing. Allele origin: germline.